The following is an entry in ClinVar:

NM_000256.3(MYBPC3):c.1791-7C>G

Gene: MYBPC3 (myosin binding protein C3; minus strand). Cytogenetic location: 11p11.2.
Variant type: single nucleotide variant.
Coding change: c.1791-7C>G on transcript NM_000256.3 (MANE Select); 7 bases into the intron before coding-DNA position 1791, C replaced by G.
Molecular consequence: intron variant.
Genome position (GRCh38, 1-based): chr11:47,341,251, G>C on the plus strand (C>G on the coding strand, the complement: MYBPC3 is on the minus strand). VCF-style: chr11-47341251-G-C. GRCh37 (hg19) VCF-style: chr11-47362802-G-C.
Identifiers: ClinVar variation 919828 (VCV000919828.3), dbSNP rs2095888282, ClinGen allele CA913187802.

ClinVar aggregate classification (germline): Likely benign. Review status: criteria provided, multiple submitters, no conflicts (2 of 4 stars). 2 submissions from 2 submitters: Likely benign (2). Last evaluated 2023-05-04.

Conditions:
Cardiomyopathy (CMYO). Also called: Cardiomyopathies. Identifiers: Orphanet 167848, MedGen C0878544, MONDO:0004994, HP:0001638. Inheritance: Various modes of inheritance.
Hypertrophic cardiomyopathy. Also called: HYPERTROPHIC MYOCARDIOPATHY. Identifiers: Orphanet 217569, MedGen C0007194, MeSH D002312, MONDO:0005045, HP:0001639.

Allele frequency attached by ClinVar (database versions not stated): gnomAD exomes below 0.00001.
gnomAD v4.1: 1 of 1,569,202 alleles (0.000064%); highest among the groups gnomAD compares: Non-Finnish European, 0.000086%; no homozygotes.

Submissions (2):

All of Us Research Program, National Institutes of Health
Classification: Likely benign for Hypertrophic cardiomyopathy. Last evaluated: 2023-05-04. Review status: criteria provided, single submitter. Criteria: ACMG Guidelines, 2015. Collection method: clinical testing. Allele origin: germline. Inheritance: Autosomal dominant inheritance. Observed: 1 variant allele, 1 heterozygote.
Comment: This study involves interpretation of variants in research participants for the purpose of population health screening. Participant phenotype was not available at the time of variant classification. Additional details can be found in publication PMID: 35346344, PMCID: PMC8962531

Color Diagnostics, LLC DBA Color Health
Classification: Likely benign for Cardiomyopathy. Last evaluated: 2019-04-15. Review status: criteria provided, single submitter. Criteria: ACMG Guidelines, 2015. Collection method: clinical testing. Allele origin: germline.